The following is an entry in ClinVar:

NM_017534.6(MYH2):c.322G>A (p.Glu108Lys)

Genes: MYHAS (myosin heavy chain gene cluster antisense RNA; plus strand), MYH2 (myosin heavy chain 2; minus strand). Cytogenetic location: 17p13.1.
Variant type: single nucleotide variant.
Coding change: c.322G>A on transcript NM_017534.6 (MANE Select); coding-DNA position 322, G replaced by A.
Protein change: p.Glu108Lys; replaces glutamic acid 108 with lysine.
Molecular consequence: missense variant.
Genome position (GRCh38, 1-based): chr17:10,547,501, C>T on the plus strand (G>A on the coding strand, the complement: MYH2 is on the minus strand). VCF-style: chr17-10547501-C-T. GRCh37 (hg19) VCF-style: chr17-10450818-C-T.
Other names: c.322G>A, p.Glu108Lys (NM_001100112.2); short protein forms E108K.
Identifiers: ClinVar variation 645333 (VCV000645333.6), dbSNP rs1597459444, ClinGen allele CA398172425.
Genomic context (GRCh38, chr17:10,547,501, plus strand): 5'-ATGATTATACAGAGCACTGGCAGGGGACACTCACGTAGATCATCCAGGCTGCATAACGTT[C>T]TTTGAGGTTGTACAGCACAGCAGGCTCATGCAGATGAGTCATCATGGCCATATCCTCGAT-3'
Protein context (NP_060004.3, residues 98-118): HEPAVLYNLK[Glu108Lys]RYAAWMIYTY

ClinVar aggregate classification (germline): Uncertain significance (1 of 4 stars; one submission).

Conditions:
Myopathy, proximal, and ophthalmoplegia (CMYO6). Also called: MYOPATHY WITH CONGENITAL JOINT CONTRACTURES, OPHTHALMOPLEGIA, AND RIMMED VACUOLES; INCLUSION BODY MYOPATHY 3, AUTOSOMAL DOMINANT; CONGENITAL MYOPATHY 6 WITH OPHTHALMOPLEGIA. Identifiers: Orphanet 363677, Orphanet 79091, MedGen C1854106, MONDO:0011577, OMIM 605637.

Allele frequency attached by ClinVar (database versions not stated): gnomAD exomes below 0.00001.
gnomAD v4.1: 1 of 1,614,098 alleles (0.000062%); highest among the groups gnomAD compares: Admixed American, 0.0017%; no homozygotes.

Submission:

Labcorp Genetics (formerly Invitae), Labcorp
Classification: Uncertain significance for Myopathy, proximal, and ophthalmoplegia. Last evaluated: 2018-11-12. Review status: criteria provided, single submitter. Criteria: Invitae Variant Classification Sherloc (09022015). Collection method: clinical testing. Allele origin: germline.
Comment: Algorithms developed to predict the effect of missense changes on protein structure and function are either unavailable or do not agree on the potential impact of this missense change (SIFT: "Deleterious"; PolyPhen-2: "Benign"; Align-GVGD: "Class C55"). This sequence change replaces glutamic acid with lysine at codon 108 of the MYH2 protein (p.Glu108Lys). The glutamic acid residue is highly conserved and there is a small physicochemical difference between glutamic acid and lysine. This variant is not present in population databases (ExAC no frequency). This variant has not been reported in the literature in individuals with MYH2-related disease. In summary, the available evidence is currently insufficient to determine the role of this variant in disease. Therefore, it has been classified as a Variant of Uncertain Significance.